The following is an entry in ClinVar:

NM_015450.3(POT1):c.772A>T (p.Met258Leu)

Gene: POT1 (protection of telomeres 1; minus strand). Cytogenetic location: 7q31.33.
Variant type: single nucleotide variant.
Coding change: c.772A>T on transcript NM_015450.3 (MANE Select); coding-DNA position 772, A replaced by T.
Protein change: p.Met258Leu; replaces methionine 258 with leucine.
Molecular consequence: missense variant. On other transcripts: non-coding transcript variant (3).
Genome position (GRCh38, 1-based): chr7:124,853,069, T>A on the plus strand (A>T on the coding strand, the complement: POT1 is on the minus strand). VCF-style: chr7-124853069-T-A. GRCh37 (hg19) VCF-style: chr7-124493123-T-A.
Other names: c.379A>T, p.Met127Leu (NM_001042594.2); c.772A>T (NM_015450.2); short protein forms M258L, M127L.
Identifiers: ClinVar variation 1981554 (VCV001981554.5), dbSNP rs774934840, ClinGen allele CA4465355.

ClinVar aggregate classification (germline): Conflicting classifications of pathogenicity. Review status: criteria provided, conflicting classifications (1 of 4 stars). 2 submissions from 2 submitters: Uncertain significance (1); Likely benign (1). Last evaluated 2025-03-20.

Conditions:
Tumor predisposition syndrome 3 (TPDS3). Also called: LONG TELOMERE SYNDROME, POT1-RELATED; POT1 Tumor Predisposition; Melanoma, cutaneous malignant, susceptibility to, 10; Glioma susceptibility 9. Identifiers: Orphanet 618, MedGen C4014476, MONDO:0014368, OMIM 615848.
Hereditary cancer-predisposing syndrome. Also called: Hereditary neoplastic syndrome; Neoplastic Syndromes, Hereditary; Tumor predisposition; Hereditary Cancer Syndrome. Identifiers: Orphanet 140162, MedGen C0027672, MeSH D009386, MONDO:0015356.

Allele frequency attached by ClinVar (database versions not stated): ExAC 0.00001.

Submissions (2):

Ambry Genetics
Classification: Likely benign for Hereditary cancer-predisposing syndrome. Last evaluated: 2025-03-20. Review status: criteria provided, single submitter. Criteria: Ambry Variant Classification Scheme 2023. Collection method: clinical testing. Allele origin: germline.

Labcorp Genetics (formerly Invitae), Labcorp
Classification: Uncertain significance for Tumor predisposition syndrome 3. Last evaluated: 2022-09-06. Review status: criteria provided, single submitter. Criteria: Invitae Variant Classification Sherloc (09022015). Collection method: clinical testing. Allele origin: germline.
Comment: In summary, the available evidence is currently insufficient to determine the role of this variant in disease. Therefore, it has been classified as a Variant of Uncertain Significance. Algorithms developed to predict the effect of missense changes on protein structure and function output the following: SIFT: "Tolerated"; PolyPhen-2: "Benign"; Align-GVGD: "Class C0". The leucine amino acid residue is found in multiple mammalian species, which suggests that this missense change does not adversely affect protein function. This variant has not been reported in the literature in individuals affected with POT1-related conditions. This variant is not present in population databases (gnomAD no frequency). This sequence change replaces methionine, which is neutral and non-polar, with leucine, which is neutral and non-polar, at codon 258 of the POT1 protein (p.Met258Leu).